The following is an entry in ClinVar:

NM_024721.5(ZFHX4):c.9400G>A (p.Gly3134Ser)

Gene: ZFHX4 (zinc finger homeobox 4; plus strand). Cytogenetic location: 8q21.13.
Variant type: single nucleotide variant.
Coding change: c.9400G>A on transcript NM_024721.5 (MANE Select); coding-DNA position 9400, G replaced by A.
Protein change: p.Gly3134Ser; replaces glycine 3134 with serine.
Molecular consequence: missense variant.
Genome position (GRCh38, 1-based): chr8:76,863,114, G>A. VCF-style: chr8-76863114-G-A. GRCh37 (hg19) VCF-style: chr8-77775350-G-A.
Other names: c.9322G>A, p.Gly3108Ser (NM_001410934.1); short protein forms G3108S, G3134S.
Identifiers: ClinVar variation 3045955 (VCV003045955.4), dbSNP rs78600602, ClinGen allele CA4788368.

ClinVar aggregate classification (germline): Uncertain significance. Review status: criteria provided, single submitter (1 of 4 stars). 2 submissions from 2 submitters: Uncertain significance (1). 1 of the submissions does not count toward it. Last evaluated 2026-06-15.

Conditions:
ZFHX4-related disorder. Also called: ZFHX4-related condition.

Allele frequency attached by ClinVar (database versions not stated): 1000 Genomes Project 30x 0.00172; gnomAD 0.00223; 1000 Genomes Project 0.00160; ExAC 0.00087; ESP Exome Variant Server 0.00125; TOPMed 0.00221; gnomAD exomes 0.00020.
gnomAD v4.1: 632 of 1,527,830 alleles (0.041%); highest among the groups gnomAD compares: African/African-American, 0.76%; 2 homozygotes.

Submissions (2):

GeneDx
Classification: Uncertain significance. Last evaluated: 2026-06-15. Review status: criteria provided, single submitter. Criteria: GeneDx Variant Classification Process June 2021. Collection method: clinical testing. Allele origin: germline.
Comment: In silico analysis supports that this missense variant has a deleterious effect on protein structure/function; Has not been previously published as pathogenic or benign to our knowledge

PreventionGenetics, part of Exact Sciences
Classification: Likely benign for ZFHX4-related condition. Last evaluated: 2019-03-25. Review status: no assertion criteria provided. Collection method: clinical testing. Allele origin: germline. Not counted in ClinVar's aggregate classification.
Comment: This variant is classified as likely benign based on ACMG/AMP sequence variant interpretation guidelines (Richards et al. 2015 PMID: 25741868, with internal and published modifications).